The following is an entry in ClinVar:

NM_000051.4(ATM):c.8883C>T (p.Thr2961=)

Genes: ATM (ATM serine/threonine kinase; plus strand), C11orf65 (chromosome 11 open reading frame 65; minus strand). Cytogenetic location: 11q22.3.
Variant type: single nucleotide variant.
Coding change: c.8883C>T on transcript NM_000051.4 (MANE Select); coding-DNA position 8883, C replaced by T.
Protein change: p.Thr2961=; no amino-acid change (threonine 2961 retained).
Molecular consequence: synonymous variant. On other transcripts: intron variant (2).
Genome position (GRCh38, 1-based): chr11:108,365,114, C>T. VCF-style: chr11-108365114-C-T. GRCh37 (hg19) VCF-style: chr11-108235841-C-T.
Other names: c.8883C>T, p.Thr2961= (NM_001351834.2); c.640+20806G>A (NM_001330368.2); c.694+20806G>A (NM_001351110.2).
Identifiers: ClinVar variation 3253958 (VCV003253958.1), dbSNP rs2137874503.
Genomic context (GRCh38, chr11:108,365,114, plus strand): 5'-TTTTAATACATATGTTCTCTCTGTTTAGGTCCTTCTATATGATCCACTCTTTGACTGGAC[C>T]ATGAATCCTTTGAAAGCTTTGTATTTACAGCAGAGGCCGGAAGATGAAACTGAGCTTCAC-3'
Protein context (NP_000042.3, residues 2951-2971): VLLYDPLFDW[Thr2961=]MNPLKALYLQ

ClinVar aggregate classification (germline): Benign (1 of 4 stars; one submission).

Conditions:
Familial cancer of breast. Also called: hereditary breast carcinoma; BREAST CANCER, FAMILIAL; Hereditary breast cancer. Identifiers: Orphanet 227535, MedGen C0346153, MONDO:0016419, OMIM 114480. Disease mechanism: loss of function.

Submission:

Myriad Genetics, Inc.
Classification: Benign for Familial cancer of breast. Last evaluated: 2024-06-24. Review status: criteria provided, single submitter. Criteria: Myriad Autosomal Dominant, Autosomal Recessive and X-Linked Classification Criteria (2023). Collection method: clinical testing. Allele origin: unknown.
Comment: This variant is considered benign. This variant is a silent/synonymous amino acid change and it is not expected to impact splicing.